The following is an entry in ClinVar:

NM_014232.3(VAMP2):c.29C>T (p.Pro10Leu)

Genes: VAMP2 (vesicle associated membrane protein 2; minus strand), LOC130060218 (ATAC-STARR-seq lymphoblastoid silent region 8166; plus strand). Cytogenetic location: 17p13.1.
Variant type: single nucleotide variant.
Coding change: c.29C>T on transcript NM_014232.3 (MANE Select); coding-DNA position 29, C replaced by T.
Protein change: p.Pro10Leu; replaces proline 10 with leucine.
Molecular consequence: missense variant.
Genome position (GRCh38, 1-based): chr17:8,162,343, G>A on the plus strand (C>T on the coding strand, the complement: VAMP2 is on the minus strand). VCF-style: chr17-8162343-G-A. GRCh37 (hg19) VCF-style: chr17-8065661-G-A.
Other names: c.35C>T, p.Pro12Leu (NM_001330125.1); short protein forms P10L, P12L.
Identifiers: ClinVar variation 3365676 (VCV003365676.1).

ClinVar aggregate classification (germline): Uncertain significance (1 of 4 stars; one submission).

gnomAD v4.1: 3 of 1,601,618 alleles (0.00019%); highest among the groups gnomAD compares: African/African-American, 0.0013%; no homozygotes.

Submission:

GeneDx
Classification: Uncertain significance. Last evaluated: 2023-12-12. Review status: criteria provided, single submitter. Criteria: GeneDx Variant Classification Process June 2021. Collection method: clinical testing. Allele origin: germline. Affected: yes.
Comment: Has not been previously published as pathogenic or benign to our knowledge; Not observed at significant frequency in large population cohorts (gnomAD); In silico analysis supports that this missense variant has a deleterious effect on protein structure/function